The following is an entry in ClinVar:

NM_000217.3(KCNA1):c.1258G>C (p.Glu420Gln)

Gene: KCNA1 (potassium voltage-gated channel subfamily A member 1; plus strand). Cytogenetic location: 12p13.32.
Variant type: single nucleotide variant.
Coding change: c.1258G>C on transcript NM_000217.3 (MANE Select); coding-DNA position 1258, G replaced by C.
Protein change: p.Glu420Gln; replaces glutamic acid 420 with glutamine.
Molecular consequence: missense variant.
Genome position (GRCh38, 1-based): chr12:4,912,636, G>C. VCF-style: chr12-4912636-G-C. GRCh37 (hg19) VCF-style: chr12-5021802-G-C.
Other names: short protein forms E420Q.
Identifiers: ClinVar variation 1722031 (VCV001722031.5), dbSNP rs2497354047, ClinGen allele CA383456382.

ClinVar aggregate classification (germline): Uncertain significance (1 of 4 stars; one submission).

Conditions:
Episodic ataxia type 1 (EA1). Also called: ATAXIA, EPISODIC, WITH MYOKYMIA; Episodic ataxia/myokymia syndrome; MYOKYMIA WITH PERIODIC ATAXIA; PAROXYSMAL ATAXIA WITH NEUROMYOTONIA, HEREDITARY. Identifiers: Orphanet 37612, Orphanet 972, MedGen C1719788, MONDO:0008047, OMIM 160120.

Submission:

Labcorp Genetics (formerly Invitae), Labcorp
Classification: Uncertain significance for Episodic ataxia type 1. Last evaluated: 2023-07-17. Review status: criteria provided, single submitter. Criteria: Invitae Variant Classification Sherloc (09022015). Collection method: clinical testing. Allele origin: germline.
Comment: This variant is not present in population databases (gnomAD no frequency). In summary, the available evidence is currently insufficient to determine the role of this variant in disease. Therefore, it has been classified as a Variant of Uncertain Significance. Advanced modeling of protein sequence and biophysical properties (such as structural, functional, and spatial information, amino acid conservation, physicochemical variation, residue mobility, and thermodynamic stability) performed at Invitae indicates that this missense variant is not expected to disrupt KCNA1 protein function. ClinVar contains an entry for this variant (Variation ID: 1722031). This variant has not been reported in the literature in individuals affected with KCNA1-related conditions. This sequence change replaces glutamic acid, which is acidic and polar, with glutamine, which is neutral and polar, at codon 420 of the KCNA1 protein (p.Glu420Gln).